The following is an entry in ClinVar:

ClinVar aggregate classification (germline): Uncertain significance. Review status: criteria provided, multiple submitters, no conflicts (2 of 4 stars). 2 submissions from 2 submitters: Uncertain significance (2). Last evaluated 2026-07-23.

Conditions:
Hereditary cancer-predisposing syndrome. Also called: Hereditary Cancer Syndrome; Tumor predisposition; Neoplastic Syndromes, Hereditary; Hereditary neoplastic syndrome. Identifiers: Orphanet 140162, MedGen C0027672, MeSH D009386, MONDO:0015356.

Submissions (2):

Ambry Genetics
Classification: Uncertain significance for Hereditary cancer-predisposing syndrome. Last evaluated: 2026-07-23. Review status: criteria provided, single submitter. Criteria: Ambry Variant Classification Scheme 2023. Collection method: clinical testing. Allele origin: germline.
Comment: The p.N441K variant (also known as c.1323T>A), located in coding exon 9 of the FH gene, results from a T to A substitution at nucleotide position 1323. The asparagine at codon 441 is replaced by lysine, an amino acid with similar properties. This amino acid position is highly conserved in available vertebrate species. In addition, the in silico prediction for this alteration is inconclusive. Based on the available evidence, the clinical significance of this variant remains unclear.

Labcorp Genetics (formerly Invitae), Labcorp
Classification: Uncertain significance. Last evaluated: 2024-11-03. Review status: criteria provided, single submitter. Criteria: Invitae Variant Classification Sherloc (09022015). Collection method: clinical testing. Allele origin: germline.
Comment: This sequence change replaces asparagine, which is neutral and polar, with lysine, which is basic and polar, at codon 441 of the FH protein (p.Asn441Lys). This variant is not present in population databases (gnomAD no frequency). This variant has not been reported in the literature in individuals affected with FH-related conditions. ClinVar contains an entry for this variant (Variation ID: 1491613). Invitae Evidence Modeling of protein sequence and biophysical properties (such as structural, functional, and spatial information, amino acid conservation, physicochemical variation, residue mobility, and thermodynamic stability) indicates that this missense variant is expected to disrupt FH protein function with a positive predictive value of 95%. In summary, the available evidence is currently insufficient to determine the role of this variant in disease. Therefore, it has been classified as a Variant of Uncertain Significance.

NM_000143.4(FH):c.1323T>A (p.Asn441Lys)

Gene: FH (fumarate hydratase; minus strand). Cytogenetic location: 1q43.
Variant type: single nucleotide variant.
Coding change: c.1323T>A on transcript NM_000143.4 (MANE Select); coding-DNA position 1323, T replaced by A.
Protein change: p.Asn441Lys; replaces asparagine 441 with lysine.
Molecular consequence: missense variant.
Genome position (GRCh38, 1-based): chr1:241,500,504, A>T on the plus strand (T>A on the coding strand, the complement: FH is on the minus strand). VCF-style: chr1-241500504-A-T. GRCh37 (hg19) VCF-style: chr1-241663804-A-T.
Other names: c.1323T>A (NM_000143.3); short protein forms N441K.
Identifiers: ClinVar variation 1491613 (VCV001491613.8), dbSNP rs945101483, ClinGen allele CA40327540.
Genomic context (GRCh38, chr1:241,500,504, plus strand): 5'-AGGATTGAGAGCTGTCACCAACATTAGAGACTCATTCATCAGCTTGTTGATCCTTTCTGT[A>T]TTGGCCTGGATTCCCACCACGCAGTTTTCTGTAAAGGAAACTGAAGCATCCCCCAGCAGC-3'
Protein context (NP_000134.2, residues 431-451): TENCVVGIQA[Asn441Lys]TERINKLMNE